The following is an entry in ClinVar:

ClinVar aggregate classification (germline): Uncertain significance (1 of 4 stars; one submission).

Conditions:
Sulfite oxidase deficiency due to molybdenum cofactor deficiency type C. Also called: Molybdenum cofactor deficiency, complementation group C; Molybdenum cofactor deficiency C. Identifiers: Orphanet 308400, Orphanet 833, MedGen C1854990, MONDO:0014212, OMIM 615501.

Allele frequency attached by ClinVar (database versions not stated): ExAC 0.00001; gnomAD exomes below 0.00001.

Submission:

Labcorp Genetics (formerly Invitae), Labcorp
Classification: Uncertain significance for Sulfite oxidase deficiency due to molybdenum cofactor deficiency type C. Last evaluated: 2023-08-04. Review status: criteria provided, single submitter. Criteria: Invitae Variant Classification Sherloc (09022015). Collection method: clinical testing. Allele origin: germline.
Comment: Advanced modeling of protein sequence and biophysical properties (such as structural, functional, and spatial information, amino acid conservation, physicochemical variation, residue mobility, and thermodynamic stability) performed at Invitae indicates that this missense variant is not expected to disrupt GPHN protein function. In summary, the available evidence is currently insufficient to determine the role of this variant in disease. Therefore, it has been classified as a Variant of Uncertain Significance. ClinVar contains an entry for this variant (Variation ID: 1378175). This variant has not been reported in the literature in individuals affected with GPHN-related conditions. This variant is present in population databases (rs775387309, gnomAD 0.003%). This sequence change replaces valine, which is neutral and non-polar, with leucine, which is neutral and non-polar, at codon 132 of the GPHN protein (p.Val132Leu).

NM_020806.5(GPHN):c.394G>C (p.Val132Leu)

Gene: GPHN (gephyrin; plus strand). Cytogenetic location: 14q23.3.
Variant type: single nucleotide variant.
Coding change: c.394G>C on transcript NM_020806.5 (MANE Select); coding-DNA position 394, G replaced by C.
Protein change: p.Val132Leu; replaces valine 132 with leucine.
Molecular consequence: missense variant.
Genome position (GRCh38, 1-based): chr14:66,916,007, G>C. VCF-style: chr14-66916007-G-C. GRCh37 (hg19) VCF-style: chr14-67382724-G-C.
Other names: c.394G>C, p.Val132Leu (NM_001024218.2, NM_001377515.1, NM_001377516.1 and 2 more transcripts); c.433G>C, p.Val145Leu (NM_001377514.1, NM_001377519.1); short protein forms V145L, V132L.
Identifiers: ClinVar variation 1378175 (VCV001378175.8), dbSNP rs775387309, ClinGen allele CA7233749.